The following is an entry in ClinVar:

ClinVar aggregate classification (germline): Uncertain significance (1 of 4 stars; one submission).

Submission:

CeGaT Center for Human Genetics Tuebingen
Classification: Uncertain significance. Last evaluated: 2022-07-01. Review status: criteria provided, single submitter. Criteria: CeGaT Center For Human Genetics Tuebingen Variant Classification Criteria Version 2. Collection method: clinical testing. Allele origin: germline. Affected: yes. Observed: 1 variant allele.
Comment: ASXL3: PM2, BP4

NM_030632.3(ASXL3):c.4120A>T (p.Ile1374Leu)

Gene: ASXL3 (ASXL transcriptional regulator 3; plus strand). Cytogenetic location: 18q12.1.
Variant type: single nucleotide variant.
Coding change: c.4120A>T on transcript NM_030632.3 (MANE Select); coding-DNA position 4120, A replaced by T.
Protein change: p.Ile1374Leu; replaces isoleucine 1374 with leucine.
Molecular consequence: missense variant.
Genome position (GRCh38, 1-based): chr18:33,743,968, A>T. VCF-style: chr18-33743968-A-T. GRCh37 (hg19) VCF-style: chr18-31323932-A-T.
Other names: short protein forms I1374L.
Identifiers: ClinVar variation 1701336 (VCV001701336.31), dbSNP rs2145426885, ClinGen allele CA402190141.